The following is an entry in ClinVar:

NM_004269.4(MED27):c.871G>A (p.Gly291Ser)

Gene: MED27 (mediator complex subunit 27; minus strand). Cytogenetic location: 9q34.13.
Variant type: single nucleotide variant.
Coding change: c.871G>A on transcript NM_004269.4 (MANE Select); coding-DNA position 871, G replaced by A.
Protein change: p.Gly291Ser; replaces glycine 291 with serine.
Molecular consequence: missense variant.
Genome position (GRCh38, 1-based): chr9:131,860,603, C>T on the plus strand (G>A on the coding strand, the complement: MED27 is on the minus strand). VCF-style: chr9-131860603-C-T. GRCh37 (hg19) VCF-style: chr9-134735990-C-T.
Other names: c.763G>A, p.Gly255Ser (NM_001253881.2); short protein forms G291S, G255S.
Identifiers: ClinVar variation 1064750 (VCV001064750.7), dbSNP rs774276967, ClinGen allele CA5295505.

ClinVar aggregate classification (germline): Conflicting classifications of pathogenicity. Review status: criteria provided, conflicting classifications (1 of 4 stars). 5 submissions from 5 submitters: Likely pathogenic (3); Uncertain significance (1). 1 of the submissions does not count toward it. Last evaluated 2025-12-09.

Conditions:
Severe myoclonic epilepsy in infancy (DRVT). Also called: Dravet syndrome; DEVELOPMENTAL AND EPILEPTIC ENCEPHALOPATHY 6A; Severe Myoclonic Epilepsy in Infancy (SMEI); Epileptic encephalopathy, early infantile, 6 (Dravet syndrome); SEVERE MYOCLONIC EPILEPSY OF INFANCY. Identifiers: Orphanet 33069, MedGen C0751122, MONDO:0100135, OMIM 607208.
MED27-related condition.
Neurodevelopmental disorder with spasticity, cataracts, and cerebellar hypoplasia. Also called: NEURODEVELOPMENTAL DISORDER WITH SPASTICITY, CATARACTS, AND CEREBELLAR ATROPHY. Identifiers: MedGen C5543306, MONDO:0859137, OMIM 619286.

Allele frequency attached by ClinVar (database versions not stated): gnomAD 0.00001; gnomAD exomes 0.00001; TOPMed 0.00002; ExAC 0.00003.
gnomAD v4.1: 18 of 1,607,968 alleles (0.0011%); highest among the groups gnomAD compares: Middle Eastern, 0.035%; no homozygotes.

Submissions (5):

PreventionGenetics, part of Exact Sciences
Classification: Likely pathogenic for MED27-related condition. Last evaluated: 2025-12-09. Review status: criteria provided, single submitter. Criteria: ACMG Guidelines, 2015. Collection method: clinical testing. Allele origin: germline.
Comment: The MED27 c.871G>A variant is predicted to result in the amino acid substitution p.Gly291Ser. This variant, also referred to as c.763G>A (p.Gly255Ser) with alternate transcript NM_001253881.2, has been reported in the homozygous state and compound heterozygous state in multiple individuals from multiple families with neurodevelopmental disorder with spasticity, cataracts, and cerebellar hypoplasia (Meng et al. 2021. PubMed ID: 33443317; Maroofian et al. 2023. PubMed ID: 37517035). This variant has been described as the most recurrent MED27 variant and associated with predominantly a mild-to-moderate phenotype in the homozygous state (Maroofian et al. 2023. PubMed ID: 37517035). This variant is reported in 0.0028% of alleles in individuals of European (Non-Finnish) descent in gnomAD. This variant is interpreted as likely pathogenic.

3billion
Classification: Likely pathogenic for Neurodevelopmental disorder with spasticity, cataracts, and cerebellar hypoplasia. Last evaluated: 2025-10-22. Review status: criteria provided, single submitter. Criteria: ACMG Guidelines, 2015. Collection method: clinical testing. Allele origin: germline. Affected: yes.
Comment: The variant is observed at an extremely low frequency in the gnomAD v4.1.0 dataset (total allele frequency: 0.001%). Predicted Consequence/Location: Missense variant Damaging effect on gene or gene product predicted by in silico programs is uncertain [3Cnet: 0.10 (damaging >0.75, benign <0.1)]. The same nucleotide change resulting in the same amino acid change has been previously reported to be associated with MED27-related disorder (ClinVar ID: VCV001064750 /PMID: 33443317 /3billion dataset). The variant has been reported to be in trans with a pathogenic variant as either compound heterozygous or homozygous in at least 2 similarly affected unrelated individuals (PMID: 33443317). The variant has been reported to co-segregate with the disease in at least one similarly affected relative/individual in the same family or similarly affected unrelated families (PMID: 33443317). Therefore, this variant is classified as Likely pathogenic according to the recommendation of ACMG/AMP guideline.

Genomic Medicine Center of Excellence, King Faisal Specialist Hospital and Research Centre
Classification: Likely pathogenic for Severe myoclonic epilepsy in infancy. Last evaluated: 2025-09-10. Review status: criteria provided, single submitter. Criteria: ACMG Guidelines, 2015. Collection method: clinical testing. Allele origin: germline.

GeneDx
Classification: Uncertain significance. Last evaluated: 2023-06-17. Review status: criteria provided, single submitter. Criteria: GeneDx Variant Classification Process June 2021. Collection method: clinical testing. Allele origin: germline. Affected: yes.
Comment: Not observed at significant frequency in large population cohorts (gnomAD); In silico analysis supports that this missense variant does not alter protein structure/function; This variant is associated with the following publications: (PMID: 33443317)

OMIM
Classification: Pathogenic for NEURODEVELOPMENTAL DISORDER WITH SPASTICITY, CATARACTS, AND CEREBELLAR ATROPHY. Last evaluated: 2026-01-23. Review status: no assertion criteria provided. Collection method: literature only. Allele origin: germline. Not counted in ClinVar's aggregate classification.

Literature cited by the submitters: PubMed 33443317 (cited by 3billion and OMIM); PubMed 37517035 (cited by OMIM).